The following is an entry in ClinVar:

NM_015015.3(KDM4B):c.2793C>T (p.Asn931=)

Gene: KDM4B (lysine demethylase 4B; plus strand). Cytogenetic location: 19p13.3.
Variant type: single nucleotide variant.
Coding change: c.2793C>T on transcript NM_015015.3 (MANE Select); coding-DNA position 2793, C replaced by T.
Protein change: p.Asn931=; no amino-acid change (asparagine 931 retained).
Molecular consequence: synonymous variant.
Genome position (GRCh38, 1-based): chr19:5,144,304, C>T. VCF-style: chr19-5144304-C-T. GRCh37 (hg19) VCF-style: chr19-5144315-C-T.
Identifiers: ClinVar variation 791509 (VCV000791509.37), dbSNP rs141629225, ClinGen allele CA9108385.

ClinVar aggregate classification (germline): Benign/Likely benign. Review status: criteria provided, multiple submitters, no conflicts (2 of 4 stars). 4 submissions from 4 submitters: Benign (1); Likely benign (3). Last evaluated 2026-09-01.

Allele frequency attached by ClinVar (database versions not stated): 1000 Genomes Project 30x 0.00078; 1000 Genomes Project 0.00100; ESP Exome Variant Server 0.00208; TOPMed 0.00272; gnomAD exomes 0.00304; gnomAD 0.00364 and 0.00372; ExAC 0.00408.
gnomAD v4.1: 6,872 of 1,591,534 alleles (0.43%); highest among the groups gnomAD compares: Non-Finnish European, 0.5%; 19 homozygotes.

Submissions (4):

CeGaT Center for Human Genetics Tuebingen
Classification: Likely benign. Last evaluated: 2026-09-01. Review status: criteria provided, single submitter. Criteria: CeGaT Center For Human Genetics Tuebingen Variant Classification Criteria Version 2. Collection method: clinical testing. Allele origin: germline. Affected: yes. Observed: 28 variant alleles.
Comment: KDM4B: BP4, BP7, BS2

Blueprint Genetics
Classification: Likely benign. Last evaluated: 2024-11-28. Review status: criteria provided, single submitter. Criteria: ACMG Guidelines, 2015. Collection method: clinical testing. Allele origin: germline.

Labcorp Genetics (formerly Invitae), Labcorp
Classification: Benign. Last evaluated: 2018-07-04. Review status: criteria provided, single submitter. Criteria: Invitae Variant Classification Sherloc (09022015). Collection method: clinical testing. Allele origin: germline.

Breakthrough Genomics
Classification: Likely benign. Review status: criteria provided, single submitter. Criteria: ACMG Guidelines, 2015. Collection method: not provided. Allele origin: germline. Inheritance: Autosomal dominant inheritance. Affected: yes.